The following is an entry in ClinVar:

ClinVar aggregate classification (germline): Uncertain significance. Review status: criteria provided, multiple submitters, no conflicts (2 of 4 stars). 2 submissions from 2 submitters: Uncertain significance (2). Last evaluated 2026-01-26.

Conditions:
Hereditary cancer-predisposing syndrome. Also called: Neoplastic Syndromes, Hereditary; Tumor predisposition; Hereditary Cancer Syndrome; Hereditary neoplastic syndrome. Identifiers: Orphanet 140162, MedGen C0027672, MeSH D009386, MONDO:0015356.

Allele frequency attached by ClinVar (database versions not stated): gnomAD exomes below 0.00001 and 0.00001; ExAC 0.00001; gnomAD 0.00001; TOPMed 0.00002.
gnomAD v4.1: 20 of 1,613,866 alleles (0.0012%); highest among the groups gnomAD compares: Non-Finnish European, 0.0016%; no homozygotes.

Submissions (2):

Labcorp Genetics (formerly Invitae), Labcorp
Classification: Uncertain significance for Hereditary cancer-predisposing syndrome. Last evaluated: 2026-01-26. Review status: criteria provided, single submitter. Criteria: Invitae Variant Classification Sherloc (09022015). Collection method: clinical testing. Allele origin: germline.
Comment: This sequence change replaces methionine, which is neutral and non-polar, with threonine, which is neutral and polar, at codon 779 of the RAD50 protein (p.Met779Thr). This variant is present in population databases (rs760464146, gnomAD 0.0009%). This variant has not been reported in the literature in individuals affected with RAD50-related conditions. ClinVar contains an entry for this variant (Variation ID: 187078). Invitae Evidence Modeling of protein sequence and biophysical properties (such as structural, functional, and spatial information, amino acid conservation, physicochemical variation, residue mobility, and thermodynamic stability) indicates that this missense variant is not expected to disrupt RAD50 protein function with a negative predictive value of 80%. In summary, the available evidence is currently insufficient to determine the role of this variant in disease. Therefore, it has been classified as a Variant of Uncertain Significance.

Ambry Genetics
Classification: Uncertain significance for Hereditary cancer-predisposing syndrome. Last evaluated: 2023-09-05. Review status: criteria provided, single submitter. Criteria: Ambry Variant Classification Scheme 2023. Collection method: clinical testing. Allele origin: germline.
Comment: The p.M779T variant (also known as c.2336T>C), located in coding exon 14 of the RAD50 gene, results from a T to C substitution at nucleotide position 2336. The methionine at codon 779 is replaced by threonine, an amino acid with similar properties. This amino acid position is not well conserved in available vertebrate species. In addition, this alteration is predicted to be tolerated by in silico analysis. Since supporting evidence is limited at this time, the clinical significance of this alteration remains unclear.

NM_005732.4(RAD50):c.2336T>C (p.Met779Thr)

Gene: RAD50 (RAD50 double strand break repair protein; plus strand). Cytogenetic location: 5q31.1.
Variant type: single nucleotide variant.
Coding change: c.2336T>C on transcript NM_005732.4 (MANE Select); coding-DNA position 2336, T replaced by C.
Protein change: p.Met779Thr; replaces methionine 779 with threonine.
Molecular consequence: missense variant.
Genome position (GRCh38, 1-based): chr5:132,603,428, T>C. VCF-style: chr5-132603428-T-C. GRCh37 (hg19) VCF-style: chr5-131939120-T-C.
Other names: short protein forms M779T.
Identifiers: ClinVar variation 187078 (VCV000187078.14), dbSNP rs760464146, ClinGen allele CA196684.
Genomic context (GRCh38, chr5:132,603,428, plus strand): 5'-GAGACATACAGCGCCTAAAGAACGACATAGAAGAACAAGAAACACTCTTGGGTACAATAA[T>C]GCCTGAAGAAGAAAGTGCCAAAGTATGCCTGACAGATGTTACAATTATGGAGAGGTTCCA-3'
Protein context (NP_005723.2, residues 769-789): EEQETLLGTI[Met779Thr]PEEESAKVCL